The following is an entry in ClinVar:

NM_000400.4(ERCC2):c.51C>G (p.Ile17Met)

Gene: ERCC2 (ERCC excision repair 2, TFIIH core complex helicase subunit; minus strand). Cytogenetic location: 19q13.32.
Variant type: single nucleotide variant.
Coding change: c.51C>G on transcript NM_000400.4 (MANE Select); coding-DNA position 51, C replaced by G.
Protein change: p.Ile17Met; replaces isoleucine 17 with methionine.
Molecular consequence: missense variant. On other transcripts: 5 prime UTR variant (1).
Genome position (GRCh38, 1-based): chr19:45,370,187, G>C on the plus strand (C>G on the coding strand, the complement: ERCC2 is on the minus strand). VCF-style: chr19-45370187-G-C. GRCh37 (hg19) VCF-style: chr19-45873445-G-C.
Other names: c.-22C>G (NM_001130867.2); short protein forms I17M.
Identifiers: ClinVar variation 3231702 (VCV003231702.1), dbSNP rs1972558937, ClinGen allele CA406380046.

ClinVar aggregate classification (germline): Uncertain significance (1 of 4 stars; one submission).

Conditions:
Inborn genetic diseases. Identifiers: MedGen C0950123, MeSH D030342.

Submission:

Ambry Genetics
Classification: Uncertain significance for Inborn genetic diseases. Last evaluated: 2023-11-14. Review status: criteria provided, single submitter. Criteria: Ambry Variant Classification Scheme 2023. Collection method: clinical testing. Allele origin: germline.
Comment: The p.I17M variant (also known as c.51C>G), located in coding exon 2 of the ERCC2 gene, results from a C to G substitution at nucleotide position 51. The isoleucine at codon 17 is replaced by methionine, an amino acid with highly similar properties. This amino acid position is conserved. In addition, this alteration is predicted to be deleterious by in silico analysis. Since supporting evidence is limited at this time, the clinical significance of this alteration remains unclear.